The following is an entry in ClinVar:

ClinVar aggregate classification (germline): Benign/Likely benign. Review status: criteria provided, multiple submitters, no conflicts (2 of 4 stars). 12 submissions from 9 submitters: Benign (9); Likely benign (1). 2 of the submissions do not count toward it. Last evaluated 2026-01-31.

Conditions:
Autosomal recessive limb-girdle muscular dystrophy type 2J (LGMDR10). Also called: MUSCULAR DYSTROPHY, LIMB-GIRDLE, AUTOSOMAL RECESSIVE 10; Limb-girdle muscular dystrophy, type 2J. Identifiers: Orphanet 140922, MedGen C1837342, MONDO:0012127, OMIM 608807.
Dilated cardiomyopathy 1G (CMD1G). Identifiers: Orphanet 154, MedGen C1858763, MONDO:0011400, OMIM 604145.
Early-onset myopathy with fatal cardiomyopathy (CMYO5). Also called: CONGENITAL MYOPATHY 5 WITH CARDIOMYOPATHY; Salih Myopathy. Identifiers: Orphanet 289377, MedGen C2673677, MONDO:0012714, OMIM 611705. Disease mechanism: loss of function.
Myopathy, myofibrillar, 9, with early respiratory failure (MFM9). Also called: Hereditary myopathy with early respiratory failure; EDSTROM MYOPATHY; MYOPATHY, PROXIMAL, WITH EARLY RESPIRATORY MUSCLE INVOLVEMENT; Myopathy, distal, with early respiratory failure, autosomal dominant. Identifiers: Orphanet 178464, Orphanet 34521, MedGen C1863599, MONDO:0011362, OMIM 603689.
Tibial muscular dystrophy (TMD). Also called: Tibial muscular dystrophy, tardive; UDD MYOPATHY; Udd Distal Myopathy – Tibial Muscular Dystrophy. Identifiers: Orphanet 609, MedGen C1838244, MONDO:0010870, OMIM 600334.

Allele frequency attached by ClinVar (database versions not stated): ESP Exome Variant Server 0.01205; gnomAD 0.01863 and 0.01963; gnomAD exomes 0.02682; 1000 Genomes Project 30x 0.03123; ExAC 0.03502.

Submissions (12):

Labcorp Genetics (formerly Invitae), Labcorp
Classification: Benign for Dilated cardiomyopathy 1G; Autosomal recessive limb-girdle muscular dystrophy type 2J. Last evaluated: 2026-01-31. Review status: criteria provided, single submitter. Criteria: Invitae Variant Classification Sherloc (09022015). Collection method: clinical testing. Allele origin: germline.

Blueprint Genetics
Classification: Likely benign. Last evaluated: 2024-11-26. Review status: criteria provided, single submitter. Criteria: ACMG Guidelines, 2015. Collection method: clinical testing. Allele origin: germline.

Genome-Nilou Lab
Classification: Benign for Autosomal recessive limb-girdle muscular dystrophy type 2J. Last evaluated: 2021-09-10. Review status: criteria provided, single submitter. Criteria: ACMG Guidelines, 2015. Collection method: clinical testing. Allele origin: germline. Affected: no.

Genome-Nilou Lab
Classification: Benign for Myopathy, myofibrillar, 9, with early respiratory failure. Last evaluated: 2021-09-10. Review status: criteria provided, single submitter. Criteria: ACMG Guidelines, 2015. Collection method: clinical testing. Allele origin: germline. Affected: no.

Genome-Nilou Lab
Classification: Benign for Early-onset myopathy with fatal cardiomyopathy. Last evaluated: 2021-09-10. Review status: criteria provided, single submitter. Criteria: ACMG Guidelines, 2015. Collection method: clinical testing. Allele origin: germline. Affected: no.

Genome-Nilou Lab
Classification: Benign for Tibial muscular dystrophy. Last evaluated: 2021-09-10. Review status: criteria provided, single submitter. Criteria: ACMG Guidelines, 2015. Collection method: clinical testing. Allele origin: germline. Affected: no.

Athena Diagnostics
Classification: Benign. Last evaluated: 2018-12-18. Review status: criteria provided, single submitter. Criteria: Athena Diagnostics Criteria. Collection method: clinical testing. Allele origin: germline.

GeneDx
Classification: Benign. Last evaluated: 2018-06-26. Review status: criteria provided, single submitter. Criteria: GeneDx Variant Classification Process June 2021. Collection method: clinical testing. Allele origin: germline. Affected: yes.

Biesecker Lab/Clinical Genomics Section, National Institutes of Health
Classification: Benign. Last evaluated: 2013-06-24. Review status: criteria provided, single submitter. Criteria: Ng et al. (Circ Cardiovasc Genet. 2013). Collection method: research. Allele origin: unknown. Observed: 28 variant alleles. Study: ClinSeq.
Comment: The study set was not selected for affection status in relation to any cancer. Pathogenicity categories were based on literature curation. See Pubmed ID:23861362 for details.

Medical sequencing

Breakthrough Genomics
Classification: Benign. Review status: criteria provided, single submitter. Criteria: ACMG Guidelines, 2015. Collection method: not provided. Allele origin: germline. Inheritance: Autosomal recessive inheritance. Affected: yes.

Clinical Genetics DNA and cytogenetics Diagnostics Lab, Erasmus MC, Erasmus Medical Center
Classification: Benign. Review status: no assertion criteria provided. Collection method: clinical testing. Allele origin: germline. Affected: yes. Study: VKGL Data-share Consensus. Not counted in ClinVar's aggregate classification.

Laboratory of Diagnostic Genome Analysis, Leiden University Medical Center (LUMC)
Classification: Likely benign. Review status: no assertion criteria provided. Collection method: clinical testing. Allele origin: germline. Affected: yes. Study: VKGL Data-share Consensus. Not counted in ClinVar's aggregate classification.

NM_001267550.2(TTN):c.37461A>T (p.Glu12487Asp)

Gene: TTN (titin; minus strand). Cytogenetic location: 2q31.2.
Variant type: single nucleotide variant.
Coding change: c.37461A>T on transcript NM_001267550.2 (MANE Select); coding-DNA position 37461, A replaced by T.
Protein change: p.Glu12487Asp; replaces glutamic acid 12487 with aspartic acid.
Molecular consequence: missense variant. On other transcripts: intron variant (4).
Genome position (GRCh38, 1-based): chr2:178,658,787, T>A on the plus strand (A>T on the coding strand, the complement: TTN is on the minus strand). VCF-style: chr2-178658787-T-A. GRCh37 (hg19) VCF-style: chr2-179523514-T-A.
Other names: c.31741+218A>T (NM_133378.4); c.13283-16470A>T (NM_003319.4); c.13859-16470A>T (NM_133437.4); c.13658-16470A>T (NM_133432.3); c.34522+218A>T (NM_001256850.1); short protein forms E12487D.
Identifiers: ClinVar variation 192213 (VCV000192213.20), dbSNP rs200021871, ClinGen allele CA200099.